The following is an entry in ClinVar:

NM_001330700.2(TOP2B):c.3626C>T (p.Ala1209Val)

Gene: TOP2B (DNA topoisomerase II beta; minus strand). Cytogenetic location: 3p24.2.
Variant type: single nucleotide variant.
Coding change: c.3626C>T on transcript NM_001330700.2 (MANE Select); coding-DNA position 3626, C replaced by T.
Protein change: p.Ala1209Val; replaces alanine 1209 with valine.
Molecular consequence: missense variant.
Genome position (GRCh38, 1-based): chr3:25,612,675, G>A on the plus strand (C>T on the coding strand, the complement: TOP2B is on the minus strand). VCF-style: chr3-25612675-G-A. GRCh37 (hg19) VCF-style: chr3-25654166-G-A.
Other names: c.3611C>T, p.Ala1204Val (NM_001068.3); c.3611C>T (NM_001068.2); short protein forms A1204V, A1209V.
Identifiers: ClinVar variation 1440686 (VCV001440686.9), dbSNP rs202045855, ClinGen allele CA2288254.

ClinVar aggregate classification (germline): Conflicting classifications of pathogenicity. Review status: criteria provided, conflicting classifications (1 of 4 stars). 3 submissions from 3 submitters: Uncertain significance (2); Likely benign (1). Last evaluated 2025-12-20.

Allele frequency attached by ClinVar (database versions not stated): 1000 Genomes Project 30x 0.00016; 1000 Genomes Project 0.00020; ExAC 0.00028; gnomAD 0.00029 and 0.00031; gnomAD exomes 0.00029; TOPMed 0.00032; ESP Exome Variant Server 0.00042.
gnomAD v4.1: 734 of 1,613,516 alleles (0.045%); highest among the groups gnomAD compares: Non-Finnish European, 0.057%; 1 homozygote.

Submissions (3):

Labcorp Genetics (formerly Invitae), Labcorp
Classification: Uncertain significance. Last evaluated: 2025-12-20. Review status: criteria provided, single submitter. Criteria: Invitae Variant Classification Sherloc (09022015). Collection method: clinical testing. Allele origin: germline.
Comment: This sequence change replaces alanine, which is neutral and non-polar, with valine, which is neutral and non-polar, at codon 1204 of the TOP2B protein (p.Ala1204Val). This variant is present in population databases (rs202045855, gnomAD 0.06%), and has an allele count higher than expected for a pathogenic variant. This variant has not been reported in the literature in individuals affected with TOP2B-related conditions. ClinVar contains an entry for this variant (Variation ID: 1440686). An algorithm developed to predict the effect of missense changes on protein structure and function (PolyPhen-2) suggests that this variant is likely to be tolerated. In summary, the available evidence is currently insufficient to determine the role of this variant in disease. Therefore, it has been classified as a Variant of Uncertain Significance.

Ambry Genetics
Classification: Uncertain significance. Last evaluated: 2024-11-24. Review status: criteria provided, single submitter. Criteria: Ambry Variant Classification Scheme 2023. Collection method: clinical testing. Allele origin: germline.

Blueprint Genetics
Classification: Likely benign. Last evaluated: 2024-07-30. Review status: criteria provided, single submitter. Criteria: ACMG Guidelines, 2015. Collection method: clinical testing. Allele origin: germline.